The following is an entry in ClinVar:

NM_021930.6(RINT1):c.245C>T (p.Thr82Ile)

Gene: RINT1 (RAD50 interactor 1; plus strand). Cytogenetic location: 7q22.3.
Variant type: single nucleotide variant.
Coding change: c.245C>T on transcript NM_021930.6 (MANE Select); coding-DNA position 245, C replaced by T.
Protein change: p.Thr82Ile; replaces threonine 82 with isoleucine.
Molecular consequence: missense variant. On other transcripts: 5 prime UTR variant (3), non-coding transcript variant (1), intron variant (1).
Genome position (GRCh38, 1-based): chr7:105,536,721, C>T. VCF-style: chr7-105536721-C-T. GRCh37 (hg19) VCF-style: chr7-105177168-C-T.
Other names: c.-775C>T (NM_001346600.2); c.-678C>T (NM_001346601.2); c.-298C>T (NM_001346603.2); c.39+109C>T (NM_001346599.2); short protein forms T82I.
Identifiers: ClinVar variation 2448404 (VCV002448404.5), dbSNP rs2485100213, ClinGen allele CA368800683.

ClinVar aggregate classification (germline): Uncertain significance. Review status: criteria provided, multiple submitters, no conflicts (2 of 4 stars). 2 submissions from 2 submitters: Uncertain significance (2). Last evaluated 2023-07-26.

Submissions (2):

Labcorp Genetics (formerly Invitae), Labcorp
Classification: Uncertain significance. Last evaluated: 2023-07-26. Review status: criteria provided, single submitter. Criteria: Invitae Variant Classification Sherloc (09022015). Collection method: clinical testing. Allele origin: germline.
Comment: In summary, the available evidence is currently insufficient to determine the role of this variant in disease. Therefore, it has been classified as a Variant of Uncertain Significance. An algorithm developed to predict the effect of missense changes on protein structure and function (PolyPhen-2) suggests that this variant is likely to be tolerated. ClinVar contains an entry for this variant (Variation ID: 2448404). This variant has not been reported in the literature in individuals affected with RINT1-related conditions. This variant is not present in population databases (gnomAD no frequency). This sequence change replaces threonine, which is neutral and polar, with isoleucine, which is neutral and non-polar, at codon 82 of the RINT1 protein (p.Thr82Ile).

Ambry Genetics
Classification: Uncertain significance. Last evaluated: 2022-11-25. Review status: criteria provided, single submitter. Criteria: Ambry Variant Classification Scheme 2023. Collection method: clinical testing. Allele origin: germline.
Comment: The p.T82I variant (also known as c.245C>T), located in coding exon 3 of the RINT1 gene, results from a C to T substitution at nucleotide position 245. The threonine at codon 82 is replaced by isoleucine, an amino acid with similar properties. This amino acid position is conserved. In addition, this alteration is predicted to be tolerated by in silico analysis. Since supporting evidence is limited at this time, the clinical significance of this alteration remains unclear.